The following is an entry in ClinVar:

ClinVar aggregate classification (germline): Likely benign (0 of 4 stars; one submission).

Conditions:
ACOX2-related disorder. Also called: ACOX2-related condition.

Submission:

PreventionGenetics, part of Exact Sciences
Classification: Likely benign for ACOX2-related condition. Last evaluated: 2022-09-21. Review status: no assertion criteria provided. Collection method: clinical testing. Allele origin: germline.
Comment: This variant is classified as likely benign based on ACMG/AMP sequence variant interpretation guidelines (Richards et al. 2015 PMID: 25741868, with internal and published modifications).

NM_003500.4(ACOX2):c.1633-10_1633-9del

Gene: ACOX2 (acyl-CoA oxidase 2; minus strand). Cytogenetic location: 3p14.3.
Variant type: Microsatellite.
Coding change: c.1633-10_1633-9del on transcript NM_003500.4 (MANE Select); 10 bases into the intron before coding-DNA position 1633 through 9 bases into the intron before coding-DNA position 1633, 2 bases deleted (GT; older notation c.1633-10_1633-9delGT).
Molecular consequence: intron variant.
Genome position (GRCh38, 1-based): chr3:58,517,432-58,517,433, AC deleted on the plus strand (GT on the coding strand, the reverse complement: ACOX2 is on the minus strand); deleting any 2 consecutive bases within chr3:58,517,432-58,517,436 gives the same sequence; the c. name uses the placement nearest the transcript's 3' end. VCF-style (leftmost placement, unchanged base first): chr3-58517431-GAC-G. GRCh37 (hg19) VCF-style: chr3-58503158-GAC-G.
Identifiers: ClinVar variation 3045326 (VCV003045326.2), dbSNP rs2471453433, ClinGen allele CA2740094483.
Genomic context (GRCh38, chr3:58,517,431, plus strand): 5'-AGTTTCTCCAGAGCTTCTGTAAAACCCTTCACAGTGACATAGTAGCAGTGCACCTACAAA[GAC>G]ACAAAGATATGTTCTCCTGATTTCTGGTTTTCTACTCCAGAAGTCACCCTGGAAGCATGG-3'